The following is an entry in ClinVar:

ClinVar aggregate classification (germline): Uncertain significance (1 of 4 stars; one submission).

Conditions:
Multiple endocrine neoplasia, type 2 (MEN2). Identifiers: Orphanet 653, MedGen C4048306, MONDO:0019003. Disease mechanism: gain of function.

Submission:

Labcorp Genetics (formerly Invitae), Labcorp
Classification: Uncertain significance for Multiple endocrine neoplasia, type 2. Last evaluated: 2025-02-11. Review status: criteria provided, single submitter. Criteria: Invitae Variant Classification Sherloc (09022015). Collection method: clinical testing. Allele origin: germline.
Comment: This sequence change replaces aspartic acid, which is acidic and polar, with alanine, which is neutral and non-polar, at codon 850 of the RET protein (p.Asp850Ala). This variant is not present in population databases (gnomAD no frequency). This variant has not been reported in the literature in individuals affected with RET-related conditions. An algorithm developed to predict the effect of missense changes on protein structure and function (PolyPhen-2) suggests that this variant is likely to be disruptive. In summary, the available evidence is currently insufficient to determine the role of this variant in disease. Therefore, it has been classified as a Variant of Uncertain Significance.

NM_020975.6(RET):c.2549A>C (p.Asp850Ala)

Gene: RET (ret proto-oncogene; plus strand). Cytogenetic location: 10q11.21.
Variant type: single nucleotide variant.
Coding change: c.2549A>C on transcript NM_020975.6 (MANE Select); coding-DNA position 2549, A replaced by C.
Protein change: p.Asp850Ala; replaces aspartic acid 850 with alanine.
Molecular consequence: missense variant.
Genome position (GRCh38, 1-based): chr10:43,119,687, A>C. VCF-style: chr10-43119687-A-C. GRCh37 (hg19) VCF-style: chr10-43615135-A-C.
Other names: c.1787A>C, p.Asp596Ala (NM_001355216.2); c.2549A>C, p.Asp850Ala (NM_001406743.1, NM_001406744.1, NM_001406759.1 and 2 more transcripts); c.2420A>C, p.Asp807Ala (NM_001406761.1, NM_001406762.1, NM_001406764.1); c.2414A>C, p.Asp805Ala (NM_001406763.1, NM_001406765.1); c.2261A>C, p.Asp754Ala (NM_001406766.1, NM_001406767.1, NM_001406770.1); c.2285A>C, p.Asp762Ala (NM_001406768.1); c.2153A>C, p.Asp718Ala (NM_001406769.1, NM_001406772.1); c.2111A>C, p.Asp704Ala (NM_001406771.1, NM_001406773.1); and 10 more; short protein forms D367A, D511A, D596A, D675A, D415A, D608A, D704A, D762A.
Identifiers: ClinVar variation 4712808 (VCV004712808.1).
Genomic context (GRCh38, chr10:43,119,687, plus strand): 5'-GAGGCAGCCGCAACTCCAGCTCCCTGGACCACCCGGATGAGCGGGCCCTCACCATGGGCG[A>C]CCTCATCTCATTTGCCTGGCAGATCTCACAGGGGATGCAGTATCTGGCCGAGATGAAGGT-3'
Protein context (NP_066124.1, residues 840-860): HPDERALTMG[Asp850Ala]LISFAWQISQ